The following is an entry in ClinVar:

ClinVar aggregate classification (germline): Uncertain significance. Review status: criteria provided, single submitter (1 of 4 stars). 2 submissions from 2 submitters: Uncertain significance (1). 1 of the submissions does not count toward it. Last evaluated 2023-05-04.

Conditions:
Inborn genetic diseases. Identifiers: MedGen C0950123, MeSH D030342.

Allele frequency attached by ClinVar (database versions not stated): gnomAD 0.00001 and 0.00002; TOPMed 0.00003; gnomAD exomes 0.00004 and 0.00006.

Submissions (2):

Ambry Genetics
Classification: Uncertain significance for Inborn genetic diseases. Last evaluated: 2023-05-04. Review status: criteria provided, single submitter. Criteria: Ambry Variant Classification Scheme 2023. Collection method: clinical testing. Allele origin: germline.

Department of Pathology and Laboratory Medicine, Sinai Health System
Classification: Uncertain significance. Review status: no assertion criteria provided. Collection method: clinical testing. Allele origin: unknown. Affected: yes. Study: The Canadian Open Genetics Repository (COGR). Not counted in ClinVar's aggregate classification.
Comment: The FOXE1 p.Ala40Thr variant was not identified in the literature nor was it identified in ClinVar or Cosmic. The variant was identified in dbSNP (ID: rs752273041) and in control databases in 2 of 56194 chromosomes at a frequency of 0.00003559 (Genome Aggregation Database March 6, 2019, v2.1.1). The variant was observed in the European (non-Finnish) population in 2 of 21346 chromosomes (freq: 0.000094), but was not observed in the African, Latino, Ashkenazi Jewish, East Asian, European (Finnish), Other, or South Asian populations. The p.Ala40 residue is not conserved in mammals and computational analyses (PolyPhen-2, SIFT, AlignGVGD, BLOSUM, MutationTaster) do not suggest a high likelihood of impact to the protein; however, this information is not predictive enough to rule out pathogenicity. The variant occurs outside of the splicing consensus sequence and in silico or computational prediction software programs (SpliceSiteFinder, MaxEntScan, NNSPLICE, GeneSplicer) do not predict a difference in splicing. In summary, based on the above information the clinical significance of this variant cannot be determined with certainty at this time. This variant is classified as a variant of uncertain significance.

NM_004473.4(FOXE1):c.118G>A (p.Ala40Thr)

Gene: FOXE1 (forkhead box E1; plus strand). Cytogenetic location: 9q22.33.
Variant type: single nucleotide variant.
Coding change: c.118G>A on transcript NM_004473.4 (MANE Select); coding-DNA position 118, G replaced by A.
Protein change: p.Ala40Thr; replaces alanine 40 with threonine.
Molecular consequence: missense variant.
Genome position (GRCh38, 1-based): chr9:97,854,032, G>A. VCF-style: chr9-97854032-G-A. GRCh37 (hg19) VCF-style: chr9-100616314-G-A.
Other names: c.118G>A (NM_004473.3); short protein forms A40T.
Identifiers: ClinVar variation 1050015 (VCV001050015.3), dbSNP rs752273041, ClinGen allele CA5149016.